The following is an entry in ClinVar:

ClinVar aggregate classification (germline): Uncertain significance (1 of 4 stars; one submission).

Conditions:
Hereditary cancer-predisposing syndrome. Also called: Tumor predisposition; Neoplastic Syndromes, Hereditary; Hereditary neoplastic syndrome; Hereditary Cancer Syndrome. Identifiers: Orphanet 140162, MedGen C0027672, MeSH D009386, MONDO:0015356.

Submission:

Ambry Genetics
Classification: Uncertain significance for Hereditary cancer-predisposing syndrome. Last evaluated: 2025-08-27. Review status: criteria provided, single submitter. Criteria: Ambry Variant Classification Scheme 2023. Collection method: clinical testing. Allele origin: germline.
Comment: The p.E369D variant (also known as c.1107G>T), located in coding exon 12 of the MUTYH gene, results from a G to T substitution at nucleotide position 1107. The glutamic acid at codon 369 is replaced by aspartic acid, an amino acid with highly similar properties. This amino acid position is conserved. In addition, this alteration is predicted to be tolerated by in silico analysis. Based on the available evidence, the clinical significance of this variant remains unclear.

NM_001048174.2(MUTYH):c.1023G>T (p.Glu341Asp)

Gene: MUTYH (mutY DNA glycosylase; minus strand). Cytogenetic location: 1p34.1.
Variant type: single nucleotide variant.
Coding change: c.1023G>T on transcript NM_001048174.2 (MANE Select); coding-DNA position 1023, G replaced by T.
Protein change: p.Glu341Asp; replaces glutamic acid 341 with aspartic acid.
Molecular consequence: missense variant. On other transcripts: non-coding transcript variant (7).
Genome position (GRCh38, 1-based): chr1:45,331,740, C>A on the plus strand (G>T on the coding strand, the complement: MUTYH is on the minus strand). VCF-style: chr1-45331740-C-A. GRCh37 (hg19) VCF-style: chr1-45797412-C-A.
Other names: c.1107G>T, p.Glu369Asp (NM_001128425.2); c.1068G>T, p.Glu356Asp (NM_001293190.2); c.1056G>T, p.Glu352Asp (NM_001293191.2, NM_001407069.1, NM_001407077.1); c.747G>T, p.Glu249Asp (NM_001293192.2, NM_001293196.2, NM_001407091.1); c.1023G>T, p.Glu341Asp (NM_001293195.2, NM_001407088.1, NM_001407089.1 and 6 more transcripts); c.678G>T, p.Glu226Asp (NM_001350650.2, NM_001350651.2, NM_001407082.1); c.1065G>T, p.Glu355Asp (NM_001407083.1, NM_001407085.1); c.1026G>T, p.Glu342Asp (NM_001407086.1, NM_001048172.2, NM_001407071.1 and 1 more transcripts); and 5 more; short protein forms E249D, E352D, E369D, E341D, E348D, E355D, E366D, E313D.
Identifiers: ClinVar variation 4113018 (VCV004113018.1).
Genomic context (GRCh38, chr1:45,331,740, plus strand): 5'-CAGCAGAATTTGGGCCCCAAGGGCCCCAGGCTGTTCCAGAACACAGGTGGCAGAGCTCTC[C>A]TCCCTGGGGGGCTTGCGGCTGGCCTTTCTGGGGAAGTTGACCACTCCCAGGGTCTGGTCC-3'
Protein context (NP_001041639.1, residues 331-351): PRKASRKPPR[Glu341Asp]ESSATCVLEQ